The following is an entry in ClinVar:

ClinVar aggregate classification (germline): Uncertain significance (1 of 4 stars; one submission).

Submission:

Labcorp Genetics (formerly Invitae), Labcorp
Classification: Uncertain significance. Last evaluated: 2025-04-19. Review status: criteria provided, single submitter. Criteria: Invitae Variant Classification Sherloc (09022015). Collection method: clinical testing. Allele origin: germline.
Comment: This sequence change replaces valine, which is neutral and non-polar, with alanine, which is neutral and non-polar, at codon 238 of the LAMB1 protein (p.Val238Ala). This variant is not present in population databases (gnomAD no frequency). This variant has not been reported in the literature in individuals affected with LAMB1-related conditions. An algorithm developed to predict the effect of missense changes on protein structure and function (PolyPhen-2) suggests that this variant is likely to be tolerated. In summary, the available evidence is currently insufficient to determine the role of this variant in disease. Therefore, it has been classified as a Variant of Uncertain Significance.

NM_002291.3(LAMB1):c.713T>C (p.Val238Ala)

Gene: LAMB1 (laminin subunit beta 1; minus strand). Cytogenetic location: 7q31.1.
Variant type: single nucleotide variant.
Coding change: c.713T>C on transcript NM_002291.3 (MANE Select); coding-DNA position 713, T replaced by C.
Protein change: p.Val238Ala; replaces valine 238 with alanine.
Molecular consequence: missense variant.
Genome position (GRCh38, 1-based): chr7:107,980,775, A>G on the plus strand (T>C on the coding strand, the complement: LAMB1 is on the minus strand). VCF-style: chr7-107980775-A-G. GRCh37 (hg19) VCF-style: chr7-107621220-A-G.
Other names: short protein forms V238A.
Identifiers: ClinVar variation 4717766 (VCV004717766.1).
Genomic context (GRCh38, chr7:107,980,775, plus strand): 5'-TACTTTTCTCTGATTTCCATCCTGGAATCCAGAAGGTTATCTCCCAAAGTATGCAGTTTC[A>G]CAAACTTGATTCTCAAGTTGGTAATTTTTAATAAATCTAGGAAGGTCATCAAGAAGATGA-3'
Protein context (NP_002282.2, residues 228-248): LKITNLRIKF[Val238Ala]KLHTLGDNLL